The following is an entry in ClinVar:

ClinVar aggregate classification (germline): Uncertain significance. Review status: criteria provided, multiple submitters, no conflicts (2 of 4 stars). 4 submissions from 4 submitters: Uncertain significance (4). Last evaluated 2026-01-04.

Conditions:
Fanconi anemia complementation group E (FANCE). Also called: FANCE-Related Fanconi Anemia. Identifiers: Orphanet 84, MedGen C3160739, MONDO:0010953, OMIM 600901.
Fanconi anemia (FA). Also called: Fanconi's anemia. Identifiers: Orphanet 84, MedGen C0015625, MeSH D005199, MONDO:0019391.

Allele frequency attached by ClinVar (database versions not stated): gnomAD 0.00002 and 0.00003; ExAC 0.00003; TOPMed 0.00003; gnomAD exomes 0.00006 and 0.00012.
gnomAD v4.1: 176 of 1,613,954 alleles (0.011%); highest among the groups gnomAD compares: Non-Finnish European, 0.014%; no homozygotes.

Submissions (4):

Labcorp Genetics (formerly Invitae), Labcorp
Classification: Uncertain significance for Fanconi anemia complementation group E. Last evaluated: 2026-01-04. Review status: criteria provided, single submitter. Criteria: Invitae Variant Classification Sherloc (09022015). Collection method: clinical testing. Allele origin: germline.
Comment: This sequence change replaces arginine, which is basic and polar, with tryptophan, which is neutral and slightly polar, at codon 221 of the FANCE protein (p.Arg221Trp). This variant is present in population databases (rs771767241, gnomAD 0.01%). This variant has not been reported in the literature in individuals affected with FANCE-related conditions. ClinVar contains an entry for this variant (Variation ID: 1005434). Invitae Evidence Modeling of protein sequence and biophysical properties (such as structural, functional, and spatial information, amino acid conservation, physicochemical variation, residue mobility, and thermodynamic stability) indicates that this missense variant is expected to disrupt FANCE protein function with a positive predictive value of 80%. In summary, the available evidence is currently insufficient to determine the role of this variant in disease. Therefore, it has been classified as a Variant of Uncertain Significance.

Fulgent Genetics
Classification: Uncertain significance for Fanconi anemia complementation group E. Last evaluated: 2024-03-22. Review status: criteria provided, single submitter. Criteria: ACMG Guidelines, 2015. Collection method: clinical testing. Allele origin: germline.

Institute for Clinical Genetics, University Hospital TU Dresden, University Hospital TU Dresden
Classification: Uncertain significance. Last evaluated: 2021-11-03. Review status: criteria provided, single submitter. Criteria: ACMG Guidelines, 2015. Collection method: clinical testing. Allele origin: germline.

Sema4
Classification: Uncertain significance for Fanconi anemia. Last evaluated: 2021-07-23. Review status: criteria provided, single submitter. Criteria: Sema4 Curation Guidelines. Collection method: curation. Allele origin: germline.
Comment: The FANCE c.661C>T (p.R221W) variant has been reported in heterozygosity in at least two individuals with ovarian cancer (PMID: 32546565). However, this same study also reported the variant in one healthy control. This variant was observed in 17/129158 chromosomes in the European (non-Finnish) population, with no homozygotes, according to the Genome Aggregation Database (PMID: 32461654) and has been reported in ClinVar (Variation ID: 1005434). Functional studies have not been performed and in silico predictions of the variant's effect on protein function are inconclusive. Based on the current evidence available, this variant is interpreted as a variant of uncertain significance.

Literature cited by the submitters: PubMed 32546565 (cited by Sema4).

NM_021922.3(FANCE):c.661C>T (p.Arg221Trp)

Gene: FANCE (FA complementation group E; plus strand). Cytogenetic location: 6p21.31.
Variant type: single nucleotide variant.
Coding change: c.661C>T on transcript NM_021922.3 (MANE Select); coding-DNA position 661, C replaced by T.
Protein change: p.Arg221Trp; replaces arginine 221 with tryptophan.
Molecular consequence: missense variant.
Genome position (GRCh38, 1-based): chr6:35,456,159, C>T. VCF-style: chr6-35456159-C-T. GRCh37 (hg19) VCF-style: chr6-35423936-C-T.
Other names: short protein forms R221W.
Identifiers: ClinVar variation 1005434 (VCV001005434.14), dbSNP rs771767241, ClinGen allele CA3771461.